The following is an entry in ClinVar:

NM_005908.4(MANBA):c.2516T>G (p.Phe839Cys)

Gene: MANBA (mannosidase beta; minus strand). Cytogenetic location: 4q24.
Variant type: single nucleotide variant.
Coding change: c.2516T>G on transcript NM_005908.4 (MANE Select); coding-DNA position 2516, T replaced by G.
Protein change: p.Phe839Cys; replaces phenylalanine 839 with cysteine.
Molecular consequence: missense variant.
Genome position (GRCh38, 1-based): chr4:102,632,181, A>C on the plus strand (T>G on the coding strand, the complement: MANBA is on the minus strand). VCF-style: chr4-102632181-A-C. GRCh37 (hg19) VCF-style: chr4-103553338-A-C.
Other names: short protein forms F839C.
Identifiers: ClinVar variation 1506577 (VCV001506577.6), dbSNP rs1382838664, ClinGen allele CA357756310.

ClinVar aggregate classification (germline): Uncertain significance (1 of 4 stars; one submission).

Conditions:
Beta-D-mannosidosis (MANSB). Also called: Beta-Mannosidosis; MANNOSIDOSIS, BETA A, LYSOSOMAL; BETA-MANNOSIDASE DEFICIENCY; LYSOSOMAL BETA-MANNOSIDASE DEFICIENCY. Identifiers: Orphanet 118, MedGen C4048196, MONDO:0009562, OMIM 248510.

Allele frequency attached by ClinVar (database versions not stated): TOPMed below 0.00001.

Submission:

Labcorp Genetics (formerly Invitae), Labcorp
Classification: Uncertain significance for Beta-D-mannosidosis. Last evaluated: 2024-02-24. Review status: criteria provided, single submitter. Criteria: Invitae Variant Classification Sherloc (09022015). Collection method: clinical testing. Allele origin: germline.
Comment: This sequence change replaces phenylalanine, which is neutral and non-polar, with cysteine, which is neutral and slightly polar, at codon 839 of the MANBA protein (p.Phe839Cys). This variant is not present in population databases (gnomAD no frequency). This variant has not been reported in the literature in individuals affected with MANBA-related conditions. ClinVar contains an entry for this variant (Variation ID: 1506577). Advanced modeling of protein sequence and biophysical properties (such as structural, functional, and spatial information, amino acid conservation, physicochemical variation, residue mobility, and thermodynamic stability) performed at Invitae indicates that this missense variant is expected to disrupt MANBA protein function with a positive predictive value of 80%. In summary, the available evidence is currently insufficient to determine the role of this variant in disease. Therefore, it has been classified as a Variant of Uncertain Significance.